The following is an entry in ClinVar:

NM_017780.4(CHD7):c.7338G>T (p.Lys2446Asn)

Gene: CHD7 (chromodomain helicase DNA binding protein 7; plus strand). Cytogenetic location: 8q12.2.
Variant type: single nucleotide variant.
Coding change: c.7338G>T on transcript NM_017780.4 (MANE Select); coding-DNA position 7338, G replaced by T.
Protein change: p.Lys2446Asn; replaces lysine 2446 with asparagine.
Molecular consequence: missense variant. On other transcripts: intron variant (1).
Genome position (GRCh38, 1-based): chr8:60,856,618, G>T. VCF-style: chr8-60856618-G-T. GRCh37 (hg19) VCF-style: chr8-61769177-G-T.
Other names: c.1717-5611G>T (NM_001316690.1); short protein forms K2446N.
Identifiers: ClinVar variation 2857709 (VCV002857709.3), dbSNP rs2488074769, ClinGen allele CA371301034.

ClinVar aggregate classification (germline): Uncertain significance (1 of 4 stars; one submission).

Conditions:
CHARGE syndrome (CHARGE). Also called: Hittner Hirsch Kreh syndrome; CHARGE ASSOCIATION--COLOBOMA, HEART ANOMALY, CHOANAL ATRESIA, RETARDATION, GENITAL AND EAR ANOMALIES; Coloboma, heart anomaly, choanal atresia, retardation, genital and ear anomalies; CHARGE association; Hall-Hittner syndrome. Identifiers: Orphanet 138, MedGen C0265354, MONDO:0008965.

Submission:

Labcorp Genetics (formerly Invitae), Labcorp
Classification: Uncertain significance for CHARGE syndrome. Last evaluated: 2023-05-05. Review status: criteria provided, single submitter. Criteria: Invitae Variant Classification Sherloc (09022015). Collection method: clinical testing. Allele origin: germline.
Comment: This variant is not present in population databases (gnomAD no frequency). This variant has not been reported in the literature in individuals affected with CHD7-related conditions. Advanced modeling of protein sequence and biophysical properties (such as structural, functional, and spatial information, amino acid conservation, physicochemical variation, residue mobility, and thermodynamic stability) performed at Invitae indicates that this missense variant is not expected to disrupt CHD7 protein function. In summary, the available evidence is currently insufficient to determine the role of this variant in disease. Therefore, it has been classified as a Variant of Uncertain Significance. This sequence change replaces lysine, which is basic and polar, with asparagine, which is neutral and polar, at codon 2446 of the CHD7 protein (p.Lys2446Asn).